The following is an entry in ClinVar:

NM_001163809.2(WDR81):c.5640C>T (p.Ser1880=)

Gene: WDR81 (WD repeat domain 81; plus strand). Cytogenetic location: 17p13.3.
Variant type: single nucleotide variant.
Coding change: c.5640C>T on transcript NM_001163809.2 (MANE Select); coding-DNA position 5640, C replaced by T.
Protein change: p.Ser1880=; no amino-acid change (serine 1880 retained).
Molecular consequence: synonymous variant.
Genome position (GRCh38, 1-based): chr17:1,737,499, C>T. VCF-style: chr17-1737499-C-T. GRCh37 (hg19) VCF-style: chr17-1640793-C-T.
Other names: p.Ser1880=; c.2031C>T, p.Ser677= (NM_001163673.2); c.1959C>T, p.Ser653= (NM_001163811.2); c.2487C>T, p.Ser829= (NM_152348.4).
Identifiers: ClinVar variation 130746 (VCV000130746.15), dbSNP rs8077638, ClinGen allele CA156005.

ClinVar aggregate classification (germline): Benign. Review status: criteria provided, multiple submitters, no conflicts (2 of 4 stars). 7 submissions from 6 submitters: Benign (6). 1 of the submissions does not count toward it. Last evaluated 2024-11-28.

Conditions:
Hydrocephalus, congenital, 3, with brain anomalies. Also called: HYDROCEPHALUS, NONSYNDROMIC, AUTOSOMAL RECESSIVE 3. Identifiers: MedGen C4747885, MONDO:0054794, OMIM 617967.
Cerebellar ataxia, impaired intellectual development, and dysequilibrium syndrome 2. Also called: CEREBELLAR ATAXIA, MENTAL RETARDATION, AND DYSEQUILIBRIUM SYNDROME 2; CEREBELLAR ATAXIA AND MENTAL RETARDATION WITH OR WITHOUT QUADRUPEDAL LOCOMOTION 2; Cerebellar ataxia, intellectual disability, and dysequilibrium syndrome 2. Identifiers: Orphanet 1766, MedGen C2750234, MONDO:0012430, OMIM 610185.

Allele frequency attached by ClinVar (database versions not stated): ESP Exome Variant Server 0.21416; gnomAD 0.21643 and 0.22105; TOPMed 0.21806; gnomAD exomes 0.22826 and 0.24055; 1000 Genomes Project 0.24161; ExAC 0.24190; 1000 Genomes Project 30x 0.24297.
gnomAD v4.1: 367,390 of 1,612,970 alleles (23%); highest among the groups gnomAD compares: South Asian, 38%; 43,600 homozygotes.

Submissions (7):

Blueprint Genetics
Classification: Benign. Last evaluated: 2024-11-28. Review status: criteria provided, single submitter. Criteria: ACMG Guidelines, 2015. Collection method: clinical testing. Allele origin: germline.

Mayo Clinic Laboratories, Mayo Clinic
Classification: Benign. Last evaluated: 2022-03-24. Review status: criteria provided, single submitter. Criteria: ACMG Guidelines, 2015. Collection method: clinical testing. Allele origin: germline. Observed: 170 variant alleles.

Genome-Nilou Lab
Classification: Benign for Cerebellar ataxia, impaired intellectual development, and dysequilibrium syndrome 2. Last evaluated: 2021-07-14. Review status: criteria provided, single submitter. Criteria: ACMG Guidelines, 2015. Collection method: clinical testing. Allele origin: germline. Affected: no.

Genome-Nilou Lab
Classification: Benign for Hydrocephalus, congenital, 3, with brain anomalies. Last evaluated: 2021-07-14. Review status: criteria provided, single submitter. Criteria: ACMG Guidelines, 2015. Collection method: clinical testing. Allele origin: germline. Affected: no.

GeneDx
Classification: Benign. Last evaluated: 2020-05-21. Review status: criteria provided, single submitter. Criteria: GeneDx Variant Classification Process June 2021. Collection method: clinical testing. Allele origin: germline. Affected: yes.

Breakthrough Genomics
Classification: Benign. Review status: criteria provided, single submitter. Criteria: ACMG Guidelines, 2015. Collection method: not provided. Allele origin: germline. Inheritance: Autosomal recessive inheritance. Affected: yes.

Genetic Services Laboratory, University of Chicago
Classification: Likely benign for AllHighlyPenetrant. Review status: no assertion criteria provided. Collection method: clinical testing. Allele origin: germline. Inheritance: Autosomal recessive inheritance. Not counted in ClinVar's aggregate classification.
Comment: Likely benign based on allele frequency in 1000 Genomes Project or ESP global frequency and its presence in a patient with a rare or unrelated disease phenotype. NOT Sanger confirmed.